The following is an entry in ClinVar:

NM_015551.2(SUSD5):c.339T>G (p.Ala113=)

Gene: SUSD5 (sushi domain containing 5; minus strand). Cytogenetic location: 3p22.3.
Variant type: single nucleotide variant.
Coding change: c.339T>G on transcript NM_015551.2 (MANE Select); coding-DNA position 339, T replaced by G.
Protein change: p.Ala113=; no amino-acid change (alanine 113 retained).
Molecular consequence: synonymous variant.
Genome position (GRCh38, 1-based): chr3:33,207,878, A>C on the plus strand (T>G on the coding strand, the complement: SUSD5 is on the minus strand). VCF-style: chr3-33207878-A-C. GRCh37 (hg19) VCF-style: chr3-33249370-A-C.
Identifiers: ClinVar variation 2653650 (VCV002653650.24), dbSNP rs61744674, ClinGen allele CA2300909.

ClinVar aggregate classification (germline): Likely benign (1 of 4 stars; one submission).

Allele frequency attached by ClinVar (database versions not stated): 1000 Genomes Project 0.00160; 1000 Genomes Project 30x 0.00172; ExAC 0.00344; TOPMed 0.00349; ESP Exome Variant Server 0.00369; gnomAD exomes 0.00387.
gnomAD v4.1: 6,145 of 1,613,944 alleles (0.38%); highest among the groups gnomAD compares: Admixed American, 0.46%; 18 homozygotes.

Submission:

CeGaT Center for Human Genetics Tuebingen
Classification: Likely benign. Last evaluated: 2022-12-01. Review status: criteria provided, single submitter. Criteria: CeGaT Center For Human Genetics Tuebingen Variant Classification Criteria Version 2. Collection method: clinical testing. Allele origin: germline. Affected: yes. Observed: 1 variant allele.
Comment: SUSD5: BP4, BP7, BS2